The following is an entry in ClinVar:

NM_015331.3(NCSTN):c.1663A>G (p.Ile555Val)

Gene: NCSTN (nicastrin; plus strand). Cytogenetic location: 1q23.2.
Variant type: single nucleotide variant.
Coding change: c.1663A>G on transcript NM_015331.3 (MANE Select); coding-DNA position 1663, A replaced by G.
Protein change: p.Ile555Val; replaces isoleucine 555 with valine.
Molecular consequence: missense variant.
Genome position (GRCh38, 1-based): chr1:160,356,623, A>G. VCF-style: chr1-160356623-A-G. GRCh37 (hg19) VCF-style: chr1-160326413-A-G.
Other names: c.1603A>G, p.Ile535Val (NM_001290184.2); c.1249A>G, p.Ile417Val (NM_001290186.2); c.1663A>G, p.Ile555Val (NM_001349729.2); short protein forms I535V, I417V, I555V.
Identifiers: ClinVar variation 3006991 (VCV003006991.3), dbSNP rs1649142008, ClinGen allele CA343282818.
Genomic context (GRCh38, chr1:160,356,623, plus strand): 5'-CCCACCAAATCTTCCCTTCCCTTTGGTCTGCACTCAGGTGACGGGCCTCTTCAACATTAC[A>G]TCGCTGTCTCCAGCCCCACCAACACCACTTATGTTGTACAGTATGCCTTGGCAAATTTGA-3'
Protein context (NP_056146.1, residues 545-565): YLGDGPLQHY[Ile555Val]AVSSPTNTTY

ClinVar aggregate classification (germline): Uncertain significance (1 of 4 stars; one submission).

Allele frequency attached by ClinVar (database versions not stated): gnomAD exomes below 0.00001; TOPMed below 0.00001; gnomAD 0.00001.
gnomAD v4.1: 3 of 1,614,012 alleles (0.00019%); highest among the groups gnomAD compares: African/African-American, 0.0027%; no homozygotes.

Submission:

Labcorp Genetics (formerly Invitae), Labcorp
Classification: Uncertain significance. Last evaluated: 2023-02-26. Review status: criteria provided, single submitter. Criteria: Invitae Variant Classification Sherloc (09022015). Collection method: clinical testing. Allele origin: germline.
Comment: This sequence change replaces isoleucine, which is neutral and non-polar, with valine, which is neutral and non-polar, at codon 555 of the NCSTN protein (p.Ile555Val). This variant is not present in population databases (gnomAD no frequency). This variant has not been reported in the literature in individuals affected with NCSTN-related conditions. Advanced modeling of protein sequence and biophysical properties (such as structural, functional, and spatial information, amino acid conservation, physicochemical variation, residue mobility, and thermodynamic stability) performed at Invitae indicates that this missense variant is not expected to disrupt NCSTN protein function. In summary, the available evidence is currently insufficient to determine the role of this variant in disease. Therefore, it has been classified as a Variant of Uncertain Significance.